The following is an entry in ClinVar:

NM_001199397.3(NEK1):c.760G>T (p.Glu254Ter)

Gene: NEK1 (NIMA related kinase 1; minus strand). Cytogenetic location: 4q33.
Variant type: single nucleotide variant.
Coding change: c.760G>T on transcript NM_001199397.3 (MANE Select); coding-DNA position 760, G replaced by T.
Protein change: p.Glu254Ter; replaces glutamic acid 254 with a stop codon.
Molecular consequence: nonsense. On other transcripts: non-coding transcript variant (2).
Genome position (GRCh38, 1-based): chr4:169,585,396, C>A on the plus strand (G>T on the coding strand, the complement: NEK1 is on the minus strand). VCF-style: chr4-169585396-C-A. GRCh37 (hg19) VCF-style: chr4-170506547-C-A.
Other names: c.760G>T, p.Glu254Ter (NM_001199398.3, NM_001199399.3, NM_001199400.3 and 11 more transcripts); c.139G>T, p.Glu47Ter (NM_001440624.1, NM_001440625.1); short protein forms E254*, E47*.
Identifiers: ClinVar variation 4778403 (VCV004778403.1).
Genomic context (GRCh38, chr4:169,585,396, plus strand): 5'-AAAAAGAACTTACCTGAGGAGAGAGAAACTTTTCAATGCGTTTGGCTATAAAACCTTTCT[C>A]CAATATGGAGTTGACTGATGGTCTATCCCTAGGATTTCTTTTAAATAACTGAGACACCAA-3'

ClinVar aggregate classification (germline): Pathogenic (1 of 4 stars; one submission).

Conditions:
Short-rib thoracic dysplasia 6 with or without polydactyly (SRTD6). Also called: Majewski Syndrome; SHORT-RIB THORACIC DYSPLASIA 6 WITH POLYDACTYLY; SHORT-RIB THORACIC DYSPLASIA 6 WITHOUT POLYDACTYLY; SHORT RIB-POLYDACTYLY SYNDROME, TYPE IIA; POLYDACTYLY WITH NEONATAL CHONDRODYSTROPHY, TYPE II. Identifiers: MedGen C0024507, MONDO:0009894, OMIM 263520.

Submission:

Labcorp Genetics (formerly Invitae), Labcorp
Classification: Pathogenic for Short-rib thoracic dysplasia 6 with or without polydactyly. Last evaluated: 2025-04-20. Review status: criteria provided, single submitter. Criteria: Invitae Variant Classification Sherloc (09022015). Collection method: clinical testing. Allele origin: germline.
Comment: This sequence change creates a premature translational stop signal (p.Glu254*) in the NEK1 gene. It is expected to result in an absent or disrupted protein product. Loss-of-function variants in NEK1 are known to be pathogenic (PMID: 22499340, 29068549). This variant is not present in population databases (gnomAD no frequency). This variant has not been reported in the literature in individuals affected with NEK1-related conditions. Algorithms developed to predict the effect of sequence changes on RNA splicing suggest that this variant may disrupt the consensus splice site. For these reasons, this variant has been classified as Pathogenic.

Literature cited by the submitters: PubMed 22499340; PubMed 29068549.